The following is an entry in ClinVar:

NM_000094.4(COL7A1):c.1494C>T (p.Thr498=)

Gene: COL7A1 (collagen type VII alpha 1 chain; minus strand). Cytogenetic location: 3p21.31.
Variant type: single nucleotide variant.
Coding change: c.1494C>T on transcript NM_000094.4 (MANE Select); coding-DNA position 1494, C replaced by T.
Protein change: p.Thr498=; no amino-acid change (threonine 498 retained).
Molecular consequence: synonymous variant.
Genome position (GRCh38, 1-based): chr3:48,591,686, G>A on the plus strand (C>T on the coding strand, the complement: COL7A1 is on the minus strand). VCF-style: chr3-48591686-G-A. GRCh37 (hg19) VCF-style: chr3-48629119-G-A.
Identifiers: ClinVar variation 727578 (VCV000727578.10), dbSNP rs776229982, ClinGen allele CA2381201.

ClinVar aggregate classification (germline): Likely benign. Review status: criteria provided, single submitter (1 of 4 stars). 3 submissions from 3 submitters: Likely benign (1). 2 of the submissions do not count toward it. Last evaluated 2026-01-22.

Conditions:
COL7A1-related disorder. Also called: COL7A1- related disorders; COL7A1-related condition.
Epidermolysis bullosa dystrophica. Also called: Dystrophic epidermolysis bullosa; Dystrophic epidermolysis bullosa, Hallopeau-Siemens type (formerly). Identifiers: Orphanet 303, MedGen C0079294, MONDO:0006543.

Allele frequency attached by ClinVar (database versions not stated): gnomAD 0.00002; gnomAD exomes 0.00002 and 0.00003; TOPMed 0.00002; ExAC 0.00003.
gnomAD v4.1: 43 of 1,613,990 alleles (0.0027%); highest among the groups gnomAD compares: South Asian, 0.0077%; no homozygotes.

Submissions (3):

Labcorp Genetics (formerly Invitae), Labcorp
Classification: Likely benign. Last evaluated: 2026-01-22. Review status: criteria provided, single submitter. Criteria: Invitae Variant Classification Sherloc (09022015). Collection method: clinical testing. Allele origin: germline.

Natera, Inc.
Classification: Likely benign for Dystrophic epidermolysis bullosa. Last evaluated: 2020-10-06. Review status: no assertion criteria provided. Collection method: clinical testing. Allele origin: germline. Not counted in ClinVar's aggregate classification.

PreventionGenetics, part of Exact Sciences
Classification: Likely benign for COL7A1-related condition. Last evaluated: 2019-05-01. Review status: no assertion criteria provided. Collection method: clinical testing. Allele origin: germline. Not counted in ClinVar's aggregate classification.
Comment: This variant is classified as likely benign based on ACMG/AMP sequence variant interpretation guidelines (Richards et al. 2015 PMID: 25741868, with internal and published modifications).